The following is an entry in ClinVar:

ClinVar aggregate classification (germline): Uncertain significance (1 of 4 stars; one submission).

Conditions:
Hereditary cancer-predisposing syndrome. Also called: Neoplastic Syndromes, Hereditary; Hereditary Cancer Syndrome; Hereditary neoplastic syndrome; Tumor predisposition. Identifiers: Orphanet 140162, MedGen C0027672, MeSH D009386, MONDO:0015356.

Submission:

Ambry Genetics
Classification: Uncertain significance for Hereditary cancer-predisposing syndrome. Last evaluated: 2023-05-23. Review status: criteria provided, single submitter. Criteria: Ambry Variant Classification Scheme 2023. Collection method: clinical testing. Allele origin: germline.
Comment: The p.P43H variant (also known as c.128C>A), located in coding exon 1 of the PRKAR1A gene, results from a C to A substitution at nucleotide position 128. The proline at codon 43 is replaced by histidine, an amino acid with similar properties. This amino acid position is conserved. In addition, this alteration is predicted to be deleterious by in silico analysis. Since supporting evidence is limited at this time, the clinical significance of this alteration remains unclear.

NM_002734.5(PRKAR1A):c.128C>A (p.Pro43His)

Gene: PRKAR1A (protein kinase cAMP-dependent type I regulatory subunit alpha; plus strand). Cytogenetic location: 17q24.2.
Variant type: single nucleotide variant.
Coding change: c.128C>A on transcript NM_002734.5 (MANE Select); coding-DNA position 128, C replaced by A.
Protein change: p.Pro43His; replaces proline 43 with histidine.
Molecular consequence: missense variant.
Genome position (GRCh38, 1-based): chr17:68,515,527, C>A. VCF-style: chr17-68515527-C-A. GRCh37 (hg19) VCF-style: chr17-66511668-C-A.
Other names: c.128C>A, p.Pro43His (NM_001276289.2, NM_001276290.1, NM_001278433.2 and 4 more transcripts); short protein forms P43H.
Identifiers: ClinVar variation 2562687 (VCV002562687.2), dbSNP rs2143152627, ClinGen allele CA400752022.